The following is an entry in ClinVar:

ClinVar aggregate classification (germline): Pathogenic. Review status: reviewed by expert panel (3 of 4 stars). 6 submissions from 6 submitters: Pathogenic (1). 5 of the submissions do not count toward it. Last evaluated 2017-12-15.

Conditions:
Hereditary breast ovarian cancer syndrome. Also called: Hereditary breast and ovarian cancer syndrome (HBOC); BRCA1- and BRCA2-Associated Hereditary Breast and Ovarian Cancer; Hereditary breast and/or ovarian cancer syndrome; Hereditary breast and ovarian cancer syndrome; Hereditary breast and ovarian cancer; Breast and ovarian cancer. Identifiers: Orphanet 145, MedGen C0677776, MeSH D061325, MONDO:0003582. Disease mechanism: loss of function.
Hereditary cancer-predisposing syndrome. Also called: Neoplastic Syndromes, Hereditary; Hereditary neoplastic syndrome; Tumor predisposition; Hereditary Cancer Syndrome. Identifiers: Orphanet 140162, MedGen C0027672, MeSH D009386, MONDO:0015356.
Breast-ovarian cancer, familial, susceptibility to, 1 (BROVCA1). Also called: BRCA1 Hereditary Breast and Ovarian Cancer; OVARIAN CANCER, SUSCEPTIBILITY TO. Identifiers: Orphanet 145, MedGen C2676676, MONDO:0011450, OMIM 604370. Disease mechanism: loss of function.

Submissions (6):

Evidence-based Network for the Interpretation of Germline Mutant Alleles (ENIGMA)
Classification: Pathogenic for Breast-ovarian cancer, familial, susceptibility to, 1. Last evaluated: 2017-12-15. Review status: reviewed by expert panel. Criteria: ENIGMA BRCA1/2 Classification Criteria (2017-06-29). Collection method: curation. Allele origin: germline. Study: ENIGMA.
Comment: Variant allele predicted to encode a truncated non-functional protein.

Labcorp Genetics (formerly Invitae), Labcorp
Classification: Pathogenic for Hereditary breast ovarian cancer syndrome. Last evaluated: 2025-03-02. Review status: criteria provided, single submitter. Criteria: Invitae Variant Classification Sherloc (09022015). Collection method: clinical testing. Allele origin: germline. Not counted in ClinVar's aggregate classification.
Comment: This sequence change creates a premature translational stop signal (p.Gln126*) in the BRCA1 gene. It is expected to result in an absent or disrupted protein product. Loss-of-function variants in BRCA1 are known to be pathogenic (PMID: 20104584). This variant is not present in population databases (gnomAD no frequency). This premature translational stop signal has been observed in individual(s) with breast cancer (PMID: 28724667, 29681614). ClinVar contains an entry for this variant (Variation ID: 427022). For these reasons, this variant has been classified as Pathogenic.

Dasa
Classification: Pathogenic for Breast-ovarian cancer, familial, susceptibility to, 1. Last evaluated: 2022-04-10. Review status: criteria provided, single submitter. Criteria: ACMG Guidelines, 2015. Collection method: clinical testing. Allele origin: germline. Affected: yes. Observed: 1 variant allele. Not counted in ClinVar's aggregate classification.
Comment: The c.376C>T;p.(Gln126*) variant creates a premature translational stop signal in the BRCA1 gene. It is expected to result in an absent or disrupted protein product -PVS1. This sequence change has been observed in affected individual(s) and ClinVar contains an entry for this variant (ClinVar ID: 427022; PMID: 28724667; PMID: 29681614) - PS4. This variant is not present in population databases (rs1085307902- gnomAD; ABraOM no frequency) - PM2. In summary, the currently available evidence indicates that the variant is pathogenic

Quest Diagnostics Nichols Institute San Juan Capistrano
Classification: Pathogenic. Last evaluated: 2020-10-16. Review status: criteria provided, single submitter. Criteria: Quest Diagnostics criteria. Collection method: clinical testing. Allele origin: unknown. Not counted in ClinVar's aggregate classification.
Comment: This nonsense variant causes the premature termination of BRCA1 protein synthesis. In addition, it has been reported in individuals affected with breast cancer in the published literature (PMIDs: 28724667 (2017) and 29681614 (2018)). This variant has not been reported in large, multi-ethnic general populations. Therefore, the variant is classified as pathogenic.

Color Diagnostics, LLC DBA Color Health
Classification: Pathogenic for Hereditary cancer-predisposing syndrome. Last evaluated: 2020-01-15. Review status: criteria provided, single submitter. Criteria: ACMG Guidelines, 2015. Collection method: clinical testing. Allele origin: germline. Not counted in ClinVar's aggregate classification.
Comment: This variant changes 1 nucleotide in exon 6 of the BRCA1 gene, creating a premature translation stop signal. This variant is expected to result in an absent or non-functional protein product. This variant has not been identified in the general population by the Genome Aggregation Database (gnomAD). Loss of BRCA1 function is a known mechanism of disease. Based on the available evidence, this variant is classified as Pathogenic.

GeneDx
Classification: Pathogenic. Last evaluated: 2015-08-20. Review status: criteria provided, single submitter. Criteria: GeneDx Variant Classification (06012015). Collection method: clinical testing. Allele origin: germline. Affected: yes. Not counted in ClinVar's aggregate classification.
Comment: This pathogenic variant is denoted BRCA1 c.376C>T at the cDNA level and p.Gln126Ter (Q126X) at the protein level. The substitution, defined as BRCA1 495C>T using alternate nomenclature, creates a nonsense variant which changes a Glutamine to a premature stop codon (CAA>TAA), and is predicted to cause loss of normal protein function through either protein truncation or nonsense-mediated mRNA decay. Although this variant has not, to our knowledge, been reported in the literature, it is considered pathogenic.

Literature cited by the submitters: PubMed 20104584 (cited by Labcorp Genetics (formerly Invitae), Labcorp); PubMed 28724667 (cited by 3 submitters); PubMed 29681614 (cited by 3 submitters); PubMed 30702160 (cited by Quest Diagnostics Nichols Institute San Juan Capistrano).

NM_007294.4(BRCA1):c.376C>T (p.Gln126Ter)

Gene: BRCA1 (BRCA1 DNA repair associated; minus strand). Cytogenetic location: 17q21.31.
Variant type: single nucleotide variant.
Coding change: c.376C>T on transcript NM_007294.4 (MANE Select); coding-DNA position 376, C replaced by T.
Protein change: p.Gln126Ter; replaces glutamine 126 with a stop codon.
Molecular consequence: nonsense. On other transcripts: non-coding transcript variant (1).
Genome position (GRCh38, 1-based): chr17:43,104,187, G>A on the plus strand (C>T on the coding strand, the complement: BRCA1 is on the minus strand). VCF-style: chr17-43104187-G-A. GRCh37 (hg19) VCF-style: chr17-41256204-G-A.
Other names: c.166C>T, p.Gln56Ter (NM_001407571.1, NM_001407853.1, NM_001407879.1 and 58 more transcripts); c.376C>T, p.Gln126Ter (NM_001407581.1, NM_001407582.1, NM_001407583.1 and 165 more transcripts); c.367C>T, p.Gln123Ter (NM_001407646.1, NM_001407647.1, NM_001408408.1); c.298C>T, p.Gln100Ter (NM_001407653.1, NM_001407654.1, NM_001407655.1 and 21 more transcripts); c.235C>T, p.Gln79Ter (NM_001407692.1, NM_001407694.1, NM_001407695.1 and 99 more transcripts); c.-6C>T (NM_001407959.1, NM_001407960.1, NM_001407962.1 and 4 more transcripts); c.244C>T, p.Gln82Ter (NM_001408451.1); short protein forms Q126*, Q79*, Q82*, Q123*, Q56*, Q100*.
Identifiers: ClinVar variation 427022 (VCV000427022.22), dbSNP rs1085307902, ClinGen allele CA10601391.